The following is an entry in ClinVar:

NM_014363.6(SACS):c.9090A>G (p.Leu3030=)

Gene: SACS (sacsin molecular chaperone; minus strand). Cytogenetic location: 13q12.12.
Variant type: single nucleotide variant.
Coding change: c.9090A>G on transcript NM_014363.6 (MANE Select); coding-DNA position 9090, A replaced by G.
Protein change: p.Leu3030=; no amino-acid change (leucine 3030 retained).
Molecular consequence: synonymous variant.
Genome position (GRCh38, 1-based): chr13:23,334,786, T>C on the plus strand (A>G on the coding strand, the complement: SACS is on the minus strand). VCF-style: chr13-23334786-T-C. GRCh37 (hg19) VCF-style: chr13-23908925-T-C.
Other names: c.8649A>G, p.Leu2883= (NM_001278055.2).
Identifiers: ClinVar variation 1091987 (VCV001091987.35), dbSNP rs754628665, ClinGen allele CA6910668.

ClinVar aggregate classification (germline): Likely benign. Review status: criteria provided, multiple submitters, no conflicts (2 of 4 stars). 3 submissions from 3 submitters: Likely benign (3). Last evaluated 2025-03-30.

Conditions:
Spastic paraplegia. Identifiers: MedGen C0037772, HP:0001258.
Charlevoix-Saguenay spastic ataxia (SACS). Also called: Spastic ataxia of Charlevoix-Saguenay; SPASTIC ATAXIA 6, AUTOSOMAL RECESSIVE; AUTOSOMAL RECESSIVE SPASTIC ATAXIA OF CHARLEVOIX-SAGUENAY. Identifiers: Orphanet 98, MedGen C1849140, MONDO:0010041, OMIM 270550.

Allele frequency attached by ClinVar (database versions not stated): TOPMed 0.00001; gnomAD exomes 0.00002 and 0.00004; ExAC 0.00004.
gnomAD v4.1: 23 of 1,613,770 alleles (0.0014%); highest among the groups gnomAD compares: South Asian, 0.012%; no homozygotes.

Submissions (3):

Labcorp Genetics (formerly Invitae), Labcorp
Classification: Likely benign for Spastic paraplegia. Last evaluated: 2025-03-30. Review status: criteria provided, single submitter. Criteria: Invitae Variant Classification Sherloc (09022015). Collection method: clinical testing. Allele origin: germline.

CeGaT Center for Human Genetics Tuebingen
Classification: Likely benign. Last evaluated: 2023-01-01. Review status: criteria provided, single submitter. Criteria: CeGaT Center For Human Genetics Tuebingen Variant Classification Criteria Version 2. Collection method: clinical testing. Allele origin: germline. Affected: yes. Observed: 2 variant alleles.
Comment: SACS: BP4, BP7

Genome-Nilou Lab
Classification: Likely benign for Charlevoix-Saguenay spastic ataxia. Last evaluated: 2021-07-22. Review status: criteria provided, single submitter. Criteria: ACMG Guidelines, 2015. Collection method: clinical testing. Allele origin: germline. Affected: no.